The following is an entry in ClinVar:

ClinVar aggregate classification (germline): Likely benign. Review status: reviewed by expert panel (3 of 4 stars). 6 submissions from 6 submitters: Likely benign (1). 5 of the submissions do not count toward it. Last evaluated 2017-06-29.

Conditions:
Hereditary cancer-predisposing syndrome. Also called: Tumor predisposition; Hereditary Cancer Syndrome; Hereditary neoplastic syndrome; Neoplastic Syndromes, Hereditary. Identifiers: Orphanet 140162, MedGen C0027672, MeSH D009386, MONDO:0015356.
Hereditary breast ovarian cancer syndrome. Also called: Breast and ovarian cancer; Hereditary breast and ovarian cancer syndrome; Hereditary breast and ovarian cancer; BRCA1- and BRCA2-Associated Hereditary Breast and Ovarian Cancer; Hereditary breast and ovarian cancer syndrome (HBOC); Hereditary breast and/or ovarian cancer syndrome. Identifiers: Orphanet 145, MedGen C0677776, MeSH D061325, MONDO:0003582. Disease mechanism: loss of function.
Breast-ovarian cancer, familial, susceptibility to, 2 (BROVCA2). Also called: BRCA2 Hereditary Breast and Ovarian Cancer. Identifiers: Orphanet 145, MedGen C2675520, MONDO:0012933, OMIM 612555. Disease mechanism: loss of function.

Allele frequency attached by ClinVar (database versions not stated): gnomAD exomes below 0.00001.
gnomAD v4.1: 4 of 1,614,184 alleles (0.00025%); highest among the groups gnomAD compares: South Asian, 0.0033%; no homozygotes.

Submissions (6):

Evidence-based Network for the Interpretation of Germline Mutant Alleles (ENIGMA)
Classification: Likely benign for Breast-ovarian cancer, familial, susceptibility to, 2. Last evaluated: 2017-06-29. Review status: reviewed by expert panel. Criteria: ENIGMA BRCA1/2 Classification Criteria (2017-06-29). Collection method: curation. Allele origin: germline.
Comment: Synonymous substitution variant, with low bioinformatic likelihood to result in a splicing aberration (Splicing prior probability 0.02).

Labcorp Genetics (formerly Invitae), Labcorp
Classification: Likely benign for Hereditary breast ovarian cancer syndrome. Last evaluated: 2025-09-14. Review status: criteria provided, single submitter. Criteria: Invitae Variant Classification Sherloc (09022015). Collection method: clinical testing. Allele origin: germline. Not counted in ClinVar's aggregate classification.

Quest Diagnostics Nichols Institute San Juan Capistrano
Classification: Likely benign. Last evaluated: 2025-01-28. Review status: criteria provided, single submitter. Criteria: Quest Diagnostics criteria. Collection method: clinical testing. Allele origin: unknown. Not counted in ClinVar's aggregate classification.

ARUP Laboratories, Molecular Genetics and Genomics, ARUP Laboratories
Classification: Likely benign. Last evaluated: 2022-12-27. Review status: criteria provided, single submitter. Criteria: ARUP Molecular Germline Variant Investigation Process 2024. Collection method: clinical testing. Allele origin: germline. Not counted in ClinVar's aggregate classification.

Color Diagnostics, LLC DBA Color Health
Classification: Likely benign for Hereditary cancer-predisposing syndrome. Last evaluated: 2017-04-27. Review status: criteria provided, single submitter. Criteria: ACMG Guidelines, 2015. Collection method: clinical testing. Allele origin: germline. Not counted in ClinVar's aggregate classification.

Ambry Genetics
Classification: Likely benign for Hereditary cancer-predisposing syndrome. Last evaluated: 2014-11-20. Review status: criteria provided, single submitter. Criteria: Ambry Variant Classification Scheme 2023. Collection method: clinical testing. Allele origin: germline. Not counted in ClinVar's aggregate classification.

NM_000059.4(BRCA2):c.7569G>A (p.Leu2523=)

Gene: BRCA2 (BRCA2 DNA repair associated; plus strand). Cytogenetic location: 13q13.1.
Variant type: single nucleotide variant.
Coding change: c.7569G>A on transcript NM_000059.4 (MANE Select); coding-DNA position 7569, G replaced by A.
Protein change: p.Leu2523=; no amino-acid change (leucine 2523 retained).
Molecular consequence: synonymous variant.
Genome position (GRCh38, 1-based): chr13:32,356,561, G>A. VCF-style: chr13-32356561-G-A. GRCh37 (hg19) VCF-style: chr13-32930698-G-A.
Identifiers: ClinVar variation 184689 (VCV000184689.21), dbSNP rs786201620, ClinGen allele CA025158.